The following is an entry in ClinVar:

ClinVar aggregate classification (germline): Conflicting classifications of pathogenicity. Review status: criteria provided, conflicting classifications (1 of 4 stars). 2 submissions from 2 submitters: Pathogenic (1); Uncertain significance (1). Last evaluated 2025-04-17.

Conditions:
Coenzyme Q10 deficiency, primary, 1. Also called: UBIQUINONE DEFICIENCY 1; COENZYME Q DEFICIENCY 1; CoQ DEFICIENCY 1. Identifiers: Orphanet 255249, MedGen C3551954, MONDO:0011829, OMIM 607426.

Submissions (2):

Labcorp Genetics (formerly Invitae), Labcorp
Classification: Pathogenic. Last evaluated: 2025-04-17. Review status: criteria provided, single submitter. Criteria: Invitae Variant Classification Sherloc (09022015). Collection method: clinical testing. Allele origin: germline.
Comment: This sequence change creates a premature translational stop signal (p.Ser316*) in the COQ2 gene. It is expected to result in an absent or disrupted protein product. Loss-of-function variants in COQ2 are known to be pathogenic (PMID: 16400613, 17374725). This variant is not present in population databases (gnomAD no frequency). This variant has not been reported in the literature in individuals affected with COQ2-related conditions. ClinVar contains an entry for this variant (Variation ID: 2585289). For these reasons, this variant has been classified as Pathogenic.

Neuberg Centre For Genomic Medicine, NCGM
Classification: Uncertain significance for Coenzyme Q10 deficiency, primary, 1. Review status: criteria provided, single submitter. Criteria: ACMG Guidelines, 2015. Collection method: clinical testing. Allele origin: germline. Inheritance: Autosomal recessive inheritance. Affected: yes.
Comment: The stop gained c.947C>G (p.Ser316Ter) variant in COQ2 gene has not been reported previously as a pathogenic variant nor as a benign variant, to our knowledge. The p.Ser316Ter variant is novel (not in any individuals) in gnomAD Exomes and is novel (not in any individuals) in 1000 Genomes.The nucleotide change in COQ2 is predicted as conserved by GERP++ and PhyloP across 100 vertebrates. However, since this variant is present in the penultimate exon functional studies will be required to prove protein truncation. For these reasons, this variant has been classified as Uncertain Significance. In the absence of another reportable variant the molecular diagnosis is not confirmed.

Literature cited by the submitters: PubMed 16400613 (cited by Labcorp Genetics (formerly Invitae), Labcorp); PubMed 17374725 (cited by Labcorp Genetics (formerly Invitae), Labcorp).

NM_001358921.2(COQ2):c.797C>G (p.Ser266Ter)

Gene: COQ2 (coenzyme Q2, polyprenyltransferase; minus strand). Cytogenetic location: 4q21.23.
Variant type: single nucleotide variant.
Coding change: c.797C>G on transcript NM_001358921.2 (MANE Select); coding-DNA position 797, C replaced by G.
Protein change: p.Ser266Ter; replaces serine 266 with a stop codon.
Molecular consequence: nonsense.
Genome position (GRCh38, 1-based): chr4:83,267,740, G>C on the plus strand (C>G on the coding strand, the complement: COQ2 is on the minus strand). VCF-style: chr4-83267740-G-C. GRCh37 (hg19) VCF-style: chr4-84188893-G-C.
Other names: c.947C>G, p.Ser316Ter (NM_015697.9); short protein forms S316*, S266*.
Identifiers: ClinVar variation 2585289 (VCV002585289.2), dbSNP rs2529753155, ClinGen allele CA357229192.